The following is an entry in ClinVar:

ClinVar aggregate classification (germline): Uncertain significance (1 of 4 stars; one submission).

Conditions:
Intellectual developmental disorder, X-linked 107. Also called: Intellectual disability, X-linked 107; MENTAL RETARDATION, X-LINKED 107. Identifiers: MedGen C4692652, MONDO:0049222, OMIM 301013.

Submission:

HudsonAlpha Institute for Biotechnology
Classification: Uncertain significance for Intellectual developmental disorder, X-linked 107. Last evaluated: 2022-08-24. Review status: criteria provided, single submitter. Criteria: ACMG Guidelines, 2015. Collection method: research. Allele origin: maternal. Observed: 2 variant alleles. Study: HudsonAlpha-AGHI-WGS.
Comment: ACMG codes:PM2_Moderate

NM_022101.4(STEEP1):c.229_230del (p.Met77fs)

Gene: STEEP1 (STING1 ER exit protein 1; minus strand). Cytogenetic location: Xq24.
Variant type: Deletion.
Coding change: c.229_230del on transcript NM_022101.4 (MANE Select); coding-DNA positions 229 to 230, 2 bases deleted (AT; older notation c.229_230delAT).
Protein change: p.Met77fs; shifts the reading frame from methionine 77.
Molecular consequence: frameshift variant.
Genome position (GRCh38, 1-based): chrX:119,560,280-119,560,281, AT deleted on the plus strand (AT on the coding strand, the reverse complement: STEEP1 is on the minus strand); deleting any 2 consecutive bases within chrX:119,560,280-119,560,282 gives the same sequence; the c. name uses the placement nearest the transcript's 3' end. VCF-style (leftmost placement, unchanged base first): chrX-119560279-CAT-C. GRCh37 (hg19) VCF-style: chrX-118694242-CAT-C.
Other names: c.82_83del, p.Met28fs (NM_001170569.1); c.229_230del, p.Met77fs (NM_001170570.2); short protein forms M28fs, M77fs.
Identifiers: ClinVar variation 1803748 (VCV001803748.1), dbSNP rs2520558150, ClinGen allele CA2580100252.
Genomic context (GRCh38, chrX:119,560,279, plus strand): 5'-GACTCCAACACAATAGGGAAATCCTAAACAGGGAGCATCAACCTCTTACCTCCGCAGATA[CAT>C]AGTCTCCTCATCTTCTGTGTTACAAAACTTATGGGCATGTTTGGCAGCATCAATCACACG-3'